The following is an entry in ClinVar:

NM_058216.3(RAD51C):c.500A>C (p.Asp167Ala)

Gene: RAD51C (RAD51 paralog C; plus strand). Cytogenetic location: 17q22.
Variant type: single nucleotide variant.
Coding change: c.500A>C on transcript NM_058216.3 (MANE Select); coding-DNA position 500, A replaced by C.
Protein change: p.Asp167Ala; replaces aspartic acid 167 with alanine.
Molecular consequence: missense variant.
Genome position (GRCh38, 1-based): chr17:58,696,788, A>C. VCF-style: chr17-58696788-A-C. GRCh37 (hg19) VCF-style: chr17-56774149-A-C.
Other names: short protein forms D167A.
Identifiers: ClinVar variation 825368 (VCV000825368.8), dbSNP rs1598460593, ClinGen allele CA400344912.

ClinVar aggregate classification (germline): Conflicting classifications of pathogenicity. Review status: criteria provided, conflicting classifications (1 of 4 stars). 2 submissions from 2 submitters: Uncertain significance (1); Benign (1). Last evaluated 2025-10-28.

Conditions:
Hereditary cancer-predisposing syndrome. Also called: Neoplastic Syndromes, Hereditary; Hereditary Cancer Syndrome; Hereditary neoplastic syndrome; Tumor predisposition. Identifiers: Orphanet 140162, MedGen C0027672, MeSH D009386, MONDO:0015356.
Fanconi anemia complementation group O. Also called: RAD51C-Related Fanconi Anemia. Identifiers: Orphanet 84, MedGen C3150653, MONDO:0013248, OMIM 613390.

Submissions (2):

Ambry Genetics
Classification: Benign for Hereditary cancer-predisposing syndrome. Last evaluated: 2025-10-28. Review status: criteria provided, single submitter. Criteria: Ambry Variant Classification Scheme 2023. Collection method: clinical testing. Allele origin: germline.

Labcorp Genetics (formerly Invitae), Labcorp
Classification: Uncertain significance for Fanconi anemia complementation group O. Last evaluated: 2024-12-21. Review status: criteria provided, single submitter. Criteria: Invitae Variant Classification Sherloc (09022015). Collection method: clinical testing. Allele origin: germline.
Comment: This sequence change replaces aspartic acid, which is acidic and polar, with alanine, which is neutral and non-polar, at codon 167 of the RAD51C protein (p.Asp167Ala). This variant is not present in population databases (gnomAD no frequency). This variant has not been reported in the literature in individuals affected with RAD51C-related conditions. ClinVar contains an entry for this variant (Variation ID: 825368). Invitae Evidence Modeling of protein sequence and biophysical properties (such as structural, functional, and spatial information, amino acid conservation, physicochemical variation, residue mobility, and thermodynamic stability) indicates that this missense variant is not expected to disrupt RAD51C protein function with a negative predictive value of 80%. In summary, the available evidence is currently insufficient to determine the role of this variant in disease. Therefore, it has been classified as a Variant of Uncertain Significance.